The following is an entry in ClinVar:

NM_005097.4(LGI1):c.42T>C (p.Ile14=)

Gene: LGI1 (leucine rich glioma inactivated 1; plus strand). Cytogenetic location: 10q23.33.
Variant type: single nucleotide variant.
Coding change: c.42T>C on transcript NM_005097.4 (MANE Select); coding-DNA position 42, T replaced by C.
Protein change: p.Ile14=; no amino-acid change (isoleucine 14 retained).
Molecular consequence: synonymous variant. On other transcripts: non-coding transcript variant (1).
Genome position (GRCh38, 1-based): chr10:93,758,186, T>C. VCF-style: chr10-93758186-T-C. GRCh37 (hg19) VCF-style: chr10-95517943-T-C.
Other names: c.42T>C, p.Ile14= (NM_001308275.2, NM_001308276.2).
Identifiers: ClinVar variation 3388570 (VCV003388570.14).

ClinVar aggregate classification (germline): Likely benign (1 of 4 stars; one submission).

gnomAD v4.1: 1 of 1,614,174 alleles (0.000062%); highest among the groups gnomAD compares: Non-Finnish European, 0.000085%; no homozygotes.

Submission:

CeGaT Center for Human Genetics Tuebingen
Classification: Likely benign. Last evaluated: 2024-10-01. Review status: criteria provided, single submitter. Criteria: CeGaT Center For Human Genetics Tuebingen Variant Classification Criteria Version 2. Collection method: clinical testing. Allele origin: germline. Affected: yes. Observed: 1 variant allele.
Comment: LGI1: BP4, BP7